The following is an entry in ClinVar:

ClinVar aggregate classification (germline): Uncertain significance (1 of 4 stars; one submission).

Conditions:
Malignant hyperthermia, susceptibility to, 1 (MHS1). Also called: Anesthesia related hyperthermia; Malignant hyperpyrexia; Fulminating hyperpyrexia; Pharmacogenic myopathy; RYR1-Related Malignant Hyperthermia Susceptibility; Malignant hyperthermia suceptibility 1. Identifiers: Orphanet 423, MedGen C2930980, MONDO:0007783, OMIM 145600.

Allele frequency attached by ClinVar (database versions not stated): gnomAD exomes below 0.00001; gnomAD 0.00001; TOPMed 0.00001.
gnomAD v4.1: 3 of 1,613,280 alleles (0.00019%); highest among the groups gnomAD compares: Non-Finnish European, 0.00025%; no homozygotes.

Submission:

All of Us Research Program, National Institutes of Health
Classification: Uncertain significance for Malignant hyperthermia, susceptibility to, 1. Last evaluated: 2023-10-06. Review status: criteria provided, single submitter. Criteria: ACMG Guidelines, 2015. Collection method: clinical testing. Allele origin: germline. Inheritance: Autosomal dominant inheritance. Observed: 1 variant allele, 1 heterozygote.
Comment: This variant is located in the RYR1 protein. To our knowledge, functional studies have not been reported for this variant. This variant has not been reported in individuals affected with RYR1-related disorders in the literature. This variant has been identified in 1/31338 chromosomes in the general population by the Genome Aggregation Database (gnomAD). The available evidence is insufficient to determine the role of this variant in disease conclusively. Therefore, this variant is classified as a Variant of Uncertain Significance.

This study involves interpretation of variants in research participants for the purpose of population health screening. Participant phenotype was not available at the time of variant classification. Additional details can be found in publication PMID: 35346344, PMCID: PMC8962531

NM_000540.3(RYR1):c.11574G>A (p.Val3858=)

Gene: RYR1 (ryanodine receptor 1; plus strand). Cytogenetic location: 19q13.2.
Variant type: single nucleotide variant.
Coding change: c.11574G>A on transcript NM_000540.3 (MANE Select); coding-DNA position 11574, G replaced by A.
Protein change: p.Val3858=; no amino-acid change (valine 3858 retained).
Molecular consequence: synonymous variant.
Genome position (GRCh38, 1-based): chr19:38,536,054, G>A. VCF-style: chr19-38536054-G-A. GRCh37 (hg19) VCF-style: chr19-39026694-G-A.
Other names: c.11559G>A, p.Val3853= (NM_001042723.2).
Identifiers: ClinVar variation 3073693 (VCV003073693.1), dbSNP rs1215432065, ClinGen allele CA507241394.